The following is an entry in ClinVar:

NM_001386393.1(PANK2):c.1352G>A (p.Gly451Glu)

Gene: PANK2 (pantothenate kinase 2; plus strand). Cytogenetic location: 20p13.
Variant type: single nucleotide variant.
Coding change: c.1352G>A on transcript NM_001386393.1 (MANE Select); coding-DNA position 1352, G replaced by A.
Protein change: p.Gly451Glu; replaces glycine 451 with glutamic acid.
Molecular consequence: missense variant. On other transcripts: non-coding transcript variant (1).
Genome position (GRCh38, 1-based): chr20:3,923,263, G>A. VCF-style: chr20-3923263-G-A. GRCh37 (hg19) VCF-style: chr20-3903910-G-A.
Other names: c.1682G>A (NM_153638.2); c.809G>A, p.Gly270Glu (NM_001324191.2, NM_024960.6, NM_153640.4); c.374G>A, p.Gly125Glu (NM_001324193.2); c.1682G>A, p.Gly561Glu (NM_153638.4); short protein forms G125E, G270E, G451E, G561E.
Identifiers: ClinVar variation 2626910 (VCV002626910.2), dbSNP rs2515541944, ClinGen allele CA408122770.

ClinVar aggregate classification (germline): Uncertain significance. Review status: criteria provided, multiple submitters, no conflicts (2 of 4 stars). 2 submissions from 2 submitters: Uncertain significance (2). Last evaluated 2026-09-10.

Conditions:
Inborn genetic diseases. Identifiers: MedGen C0950123, MeSH D030342.

Allele frequency attached by ClinVar (database versions not stated): gnomAD exomes below 0.00001.
gnomAD v4.1: 6 of 1,614,174 alleles (0.00037%); highest among the groups gnomAD compares: Non-Finnish European, 0.00051%; no homozygotes.

Submissions (2):

Ambry Genetics
Classification: Uncertain significance for Inborn genetic diseases. Last evaluated: 2026-09-10. Review status: criteria provided, single submitter. Criteria: Ambry Variant Classification Scheme 2023. Collection method: clinical testing. Allele origin: germline.
Comment: The c.1682G>A (p.G561E) alteration is located in exon 7 (coding exon 7) of the PANK2 gene. This alteration results from a G to A substitution at nucleotide position 1682, causing the glycine (G) at amino acid position 561 to be replaced by a glutamic acid (E). This variant was not reported in population-based cohorts in the Genome Aggregation Database (gnomAD). This alteration is predicted to be deleterious by in silico analysis. Based on insufficient or conflicting evidence, the clinical significance of this alteration remains unclear.

Greenwood Genetic Center Diagnostic Laboratories, Greenwood Genetic Center
Classification: Uncertain significance. Last evaluated: 2023-08-30. Review status: criteria provided, single submitter. Criteria: ACMG Guidelines, 2015. Collection method: clinical testing. Allele origin: germline. Affected: yes.
Comment: PM2 PP3